The following is an entry in ClinVar:

ClinVar aggregate classification (germline): Uncertain significance (1 of 4 stars; one submission).

Conditions:
Renal cell carcinoma. Identifiers: Orphanet 217071, MedGen C0007134, MeSH D002292, MONDO:0005086, HP:0005584.

Submission:

Labcorp Genetics (formerly Invitae), Labcorp
Classification: Uncertain significance for Renal cell carcinoma. Last evaluated: 2021-04-27. Review status: criteria provided, single submitter. Criteria: Invitae Variant Classification Sherloc (09022015). Collection method: clinical testing. Allele origin: germline.
Comment: This sequence change replaces serine with phenylalanine at codon 360 of the MET protein (p.Ser360Phe). The serine residue is highly conserved and there is a large physicochemical difference between serine and phenylalanine. This variant is not present in population databases (ExAC no frequency). This variant has not been reported in the literature in individuals with MET-related conditions. Algorithms developed to predict the effect of missense changes on protein structure and function are either unavailable or do not agree on the potential impact of this missense change (SIFT: "Deleterious"; PolyPhen-2: "Probably Damaging"; Align-GVGD: "Class C0"). In summary, the available evidence is currently insufficient to determine the role of this variant in disease. Therefore, it has been classified as a Variant of Uncertain Significance.

NM_000245.4(MET):c.1079C>T (p.Ser360Phe)

Gene: MET (MET proto-oncogene, receptor tyrosine kinase; plus strand). Cytogenetic location: 7q31.2.
Variant type: single nucleotide variant.
Coding change: c.1079C>T on transcript NM_000245.4 (MANE Select); coding-DNA position 1079, C replaced by T.
Protein change: p.Ser360Phe; replaces serine 360 with phenylalanine.
Molecular consequence: missense variant. On other transcripts: intron variant (1).
Genome position (GRCh38, 1-based): chr7:116,700,163, C>T. VCF-style: chr7-116700163-C-T. GRCh37 (hg19) VCF-style: chr7-116340217-C-T.
Other names: c.1079C>T, p.Ser360Phe (NM_001127500.3, NM_001324401.3); c.-91+27586C>T (NM_001324402.2); short protein forms S360F.
Identifiers: ClinVar variation 1349334 (VCV001349334.8), dbSNP rs2116604992, ClinGen allele CA368970493.